The following is an entry in ClinVar:

NM_013266.4(CTNNA3):c.1273C>T (p.Leu425Phe)

Gene: CTNNA3 (catenin alpha 3; minus strand). Cytogenetic location: 10q21.3.
Variant type: single nucleotide variant.
Coding change: c.1273C>T on transcript NM_013266.4 (MANE Select); coding-DNA position 1273, C replaced by T.
Protein change: p.Leu425Phe; replaces leucine 425 with phenylalanine.
Molecular consequence: missense variant.
Genome position (GRCh38, 1-based): chr10:66,766,272, G>A on the plus strand (C>T on the coding strand, the complement: CTNNA3 is on the minus strand). VCF-style: chr10-66766272-G-A. GRCh37 (hg19) VCF-style: chr10-68526030-G-A.
Other names: c.1273C>T, p.Leu425Phe (NM_001127384.3); short protein forms L425F.
Identifiers: ClinVar variation 3667632 (VCV003667632.2).

ClinVar aggregate classification (germline): Uncertain significance (1 of 4 stars; one submission).

Conditions:
Arrhythmogenic right ventricular dysplasia 13. Also called: ARRHYTHMOGENIC RIGHT VENTRICULAR CARDIOMYOPATHY 13; Arrhythmogenic right ventricular dysplasia, familial, 13. Identifiers: MedGen C3810138, MONDO:0000908, OMIM 615616.

gnomAD v4.1: 3 of 1,613,428 alleles (0.00019%); highest among the groups gnomAD compares: African/African-American, 0.004%; no homozygotes.

Submission:

Labcorp Genetics (formerly Invitae), Labcorp
Classification: Uncertain significance for Arrhythmogenic right ventricular dysplasia 13. Last evaluated: 2024-11-06. Review status: criteria provided, single submitter. Criteria: Invitae Variant Classification Sherloc (09022015). Collection method: clinical testing. Allele origin: germline.
Comment: This sequence change replaces leucine, which is neutral and non-polar, with phenylalanine, which is neutral and non-polar, at codon 425 of the CTNNA3 protein (p.Leu425Phe). This variant is present in population databases (no rsID available, gnomAD 0.02%). This variant has not been reported in the literature in individuals affected with CTNNA3-related conditions. Invitae Evidence Modeling of protein sequence and biophysical properties (such as structural, functional, and spatial information, amino acid conservation, physicochemical variation, residue mobility, and thermodynamic stability) indicates that this missense variant is not expected to disrupt CTNNA3 protein function with a negative predictive value of 80%. Algorithms developed to predict the effect of sequence changes on RNA splicing suggest that this variant may create or strengthen a splice site. In summary, the available evidence is currently insufficient to determine the role of this variant in disease. Therefore, it has been classified as a Variant of Uncertain Significance.